The following is an entry in ClinVar:

NM_001041.4(SI):c.4841+1G>C

Gene: SI (sucrase-isomaltase; minus strand). Cytogenetic location: 3q26.1.
Variant type: single nucleotide variant.
Coding change: c.4841+1G>C on transcript NM_001041.4 (MANE Select); the canonical splice donor site of the intron after coding-DNA position 4841, G replaced by C.
Molecular consequence: splice donor variant.
Genome position (GRCh38, 1-based): chr3:164,994,256, C>G on the plus strand (G>C on the coding strand, the complement: SI is on the minus strand). VCF-style: chr3-164994256-C-G. GRCh37 (hg19) VCF-style: chr3-164712044-C-G.
Identifiers: ClinVar variation 2698502 (VCV002698502.3), dbSNP rs1181419614, ClinGen allele CA355028826.

ClinVar aggregate classification (germline): Likely pathogenic (1 of 4 stars; one submission).

Submission:

Labcorp Genetics (formerly Invitae), Labcorp
Classification: Likely pathogenic. Last evaluated: 2023-11-24. Review status: criteria provided, single submitter. Criteria: Invitae Variant Classification Sherloc (09022015). Collection method: clinical testing. Allele origin: germline.
Comment: This sequence change affects a donor splice site in intron 41 of the SI gene. It is expected to disrupt RNA splicing. Variants that disrupt the donor or acceptor splice site typically lead to a loss of protein function (PMID: 16199547), and loss-of-function variants in SI are known to be pathogenic (PMID: 16329100, 23103650, 25452324). This variant is not present in population databases (gnomAD no frequency). This variant has not been reported in the literature in individuals affected with SI-related conditions. Algorithms developed to predict the effect of sequence changes on RNA splicing suggest that this variant may disrupt the consensus splice site. In summary, the currently available evidence indicates that the variant is pathogenic, but additional data are needed to prove that conclusively. Therefore, this variant has been classified as Likely Pathogenic.

Literature cited by the submitters: PubMed 16199547; PubMed 16329100; PubMed 23103650; PubMed 25452324.